The following is an entry in ClinVar:

NM_152773.5(DYNLT2B):c.36C>A (p.Gly12=)

Genes: DYNLT2B (dynein light chain Tctex-type 2B; minus strand), TM4SF19-DYNLT2B (TM4SF19-DYNLT2B readthrough (NMD candidate); minus strand), LOC129938285 (ATAC-STARR-seq lymphoblastoid active region 21087; plus strand). Cytogenetic location: 3q29.
Variant type: single nucleotide variant.
Coding change: c.36C>A on transcript NM_152773.5 (MANE Select); coding-DNA position 36, C replaced by A.
Protein change: p.Gly12=; no amino-acid change (glycine 12 retained).
Molecular consequence: synonymous variant.
Genome position (GRCh38, 1-based): chr3:196,318,117, G>T on the plus strand (C>A on the coding strand, the complement: DYNLT2B is on the minus strand). VCF-style: chr3-196318117-G-T. GRCh37 (hg19) VCF-style: chr3-196044988-G-T.
Other names: c.36C>A, p.Gly12= (NM_001351628.2).
Identifiers: ClinVar variation 1895632 (VCV001895632.5), dbSNP rs760110947, ClinGen allele CA437775807.

ClinVar aggregate classification (germline): Uncertain significance (1 of 4 stars; one submission).

gnomAD v4.1: 2 of 1,557,228 alleles (0.00013%); highest among the groups gnomAD compares: Non-Finnish European, 0.00017%; no homozygotes.

Submission:

Labcorp Genetics (formerly Invitae), Labcorp
Classification: Uncertain significance. Last evaluated: 2022-03-20. Review status: criteria provided, single submitter. Criteria: Invitae Variant Classification Sherloc (09022015). Collection method: clinical testing. Allele origin: germline.
Comment: This variant has not been reported in the literature in individuals affected with TCTEX1D2-related conditions. Algorithms developed to predict the effect of sequence changes on RNA splicing suggest that this variant may disrupt the consensus splice site. In summary, the available evidence is currently insufficient to determine the role of this variant in disease. Therefore, it has been classified as a Variant of Uncertain Significance. This variant is not present in population databases (gnomAD no frequency). This sequence change affects codon 12 of the TCTEX1D2 mRNA. It is a 'silent' change, meaning that it does not change the encoded amino acid sequence of the TCTEX1D2 protein.